The following is an entry in ClinVar:

ClinVar aggregate classification (germline): Benign/Likely benign. Review status: criteria provided, multiple submitters, no conflicts (2 of 4 stars). 6 submissions from 6 submitters: Benign (4); Likely benign (2). Last evaluated 2026-01-24.

Conditions:
Mitochondrial complex IV deficiency, nuclear type 1 (MC4DN1). Also called: Complex 4 mitochondrial respiratory chain deficiency; Deficiency of mitochondrial respiratory chain complex4; Complex IV deficiency; COX DEFICIENCY; Mitochondrial complex IV deficiency. Identifiers: MedGen C5435656, MONDO:0700250, OMIM 220110. Disease mechanism: loss of function.

Allele frequency attached by ClinVar (database versions not stated): gnomAD exomes 0.00079 and 0.00211; ExAC 0.00264; gnomAD 0.00783 and 0.00843; TOPMed 0.00867; 1000 Genomes Project 0.00899; ESP Exome Variant Server 0.00984; 1000 Genomes Project 30x 0.01077.
gnomAD v4.1: 2,407 of 1,613,696 alleles (0.15%); highest among the groups gnomAD compares: African/African-American, 2.7%; 35 homozygotes.

Submissions (6):

Labcorp Genetics (formerly Invitae), Labcorp
Classification: Benign. Last evaluated: 2026-01-24. Review status: criteria provided, single submitter. Criteria: Invitae Variant Classification Sherloc (09022015). Collection method: clinical testing. Allele origin: germline.

Mayo Clinic Laboratories, Mayo Clinic
Classification: Benign. Last evaluated: 2018-09-18. Review status: criteria provided, single submitter. Criteria: ACMG Guidelines, 2015. Collection method: clinical testing. Allele origin: germline. Observed: 6 variant alleles.

Illumina Laboratory Services, Illumina
Classification: Likely benign for Mitochondrial complex IV deficiency, nuclear type 1. Last evaluated: 2018-01-12. Review status: criteria provided, single submitter. Criteria: ICSL Variant Classification Criteria 13 December 2019. Collection method: clinical testing. Allele origin: germline.
Comment: This variant was observed in the ICSL laboratory as part of a predisposition screen in an ostensibly healthy population. It had not been previously curated by ICSL or reported in the Human Gene Mutation Database (HGMD: prior to June 1st, 2018), and was therefore a candidate for classification through an automated scoring system. Utilizing variant allele frequency, disease prevalence and penetrance estimates, and inheritance mode, an automated score was calculated to assess if this variant is too frequent to cause the disease. Based on the score and internal cut-off values, a variant classified as likely benign is not then subjected to further curation. The score for this variant resulted in a classification of likely benign for this disease.

Center for Pediatric Genomic Medicine, Children's Mercy Hospital and Clinics
Classification: Benign. Last evaluated: 2015-06-04. Review status: criteria provided, single submitter. Criteria: ACMG Guidelines, 2015. Collection method: clinical testing. Allele origin: germline.

GeneDx
Classification: Benign. Last evaluated: 2014-08-06. Review status: criteria provided, single submitter. Criteria: GeneDx Variant Classification (06012015). Collection method: clinical testing. Allele origin: germline. Affected: yes.
Comment: This variant is considered likely benign or benign based on one or more of the following criteria: it is a conservative change, it occurs at a poorly conserved position in the protein, it is predicted to be benign by multiple in silico algorithms, and/or has population frequency not consistent with disease.

Breakthrough Genomics
Classification: Likely benign. Review status: criteria provided, single submitter. Criteria: ACMG Guidelines, 2015. Collection method: not provided. Allele origin: germline. Inheritance: Autosomal recessive inheritance. Affected: yes.

NM_001136193.2(FASTKD2):c.1090G>A (p.Asp364Asn)

Gene: FASTKD2 (FAST kinase domains 2; plus strand). Cytogenetic location: 2q33.3.
Variant type: single nucleotide variant.
Coding change: c.1090G>A on transcript NM_001136193.2 (MANE Select); coding-DNA position 1090, G replaced by A.
Protein change: p.Asp364Asn; replaces aspartic acid 364 with asparagine.
Molecular consequence: missense variant.
Genome position (GRCh38, 1-based): chr2:206,771,993, G>A. VCF-style: chr2-206771993-G-A. GRCh37 (hg19) VCF-style: chr2-207636717-G-A.
Other names: p.D364N:GAT>AAT; p.Asp364Asn; c.1090G>A, p.Asp364Asn (NM_001136194.2, NM_014929.4); short protein forms D364N.
Identifiers: ClinVar variation 214347 (VCV000214347.18), dbSNP rs34709212, ClinGen allele CA320371.
Genomic context (GRCh38, chr2:206,771,993, plus strand): 5'-AATAGCCAACACATGTTTGAAGTACTAGCTGCCATGAATCACCGATCTCTTATACTCCTG[G>A]ATGAATGCAGTAAGGTGGTCCTAGGTAAGAGGAATTTTTCTTTCATCATTTGCAATACCT-3'
Protein context (NP_001129665.1, residues 354-374): AMNHRSLILL[Asp364Asn]ECSKVVLDNI